The following is an entry in ClinVar:

ClinVar aggregate classification (germline): Uncertain significance (1 of 4 stars; one submission).

Allele frequency attached by ClinVar (database versions not stated): gnomAD exomes below 0.00001 and 0.00001; ExAC 0.00001; gnomAD 0.00001; 1000 Genomes Project 30x 0.00016; 1000 Genomes Project 0.00020.
gnomAD v4.1: 3 of 1,614,156 alleles (0.00019%); highest among the groups gnomAD compares: African/African-American, 0.004%; no homozygotes.

Submission:

Labcorp Genetics (formerly Invitae), Labcorp
Classification: Uncertain significance. Last evaluated: 2021-04-19. Review status: criteria provided, single submitter. Criteria: Invitae Variant Classification Sherloc (09022015). Collection method: clinical testing. Allele origin: germline.
Comment: This variant has not been reported in the literature in individuals with FERMT1-related conditions. This variant is present in population databases (rs184921922, ExAC 0.01%). This sequence change replaces methionine with isoleucine at codon 96 of the FERMT1 protein (p.Met96Ile). The methionine residue is moderately conserved and there is a small physicochemical difference between methionine and isoleucine. In summary, the available evidence is currently insufficient to determine the role of this variant in disease. Therefore, it has been classified as a Variant of Uncertain Significance. Algorithms developed to predict the effect of missense changes on protein structure and function (SIFT, PolyPhen-2, Align-GVGD) all suggest that this variant is likely to be tolerated, but these predictions have not been confirmed by published functional studies and their clinical significance is uncertain.

NM_017671.5(FERMT1):c.288G>A (p.Met96Ile)

Gene: FERMT1 (FERM domain containing kindlin 1; minus strand). Cytogenetic location: 20p12.3.
Variant type: single nucleotide variant.
Coding change: c.288G>A on transcript NM_017671.5 (MANE Select); coding-DNA position 288, G replaced by A.
Protein change: p.Met96Ile; replaces methionine 96 with isoleucine.
Molecular consequence: missense variant.
Genome position (GRCh38, 1-based): chr20:6,115,908, C>T on the plus strand (G>A on the coding strand, the complement: FERMT1 is on the minus strand). VCF-style: chr20-6115908-C-T. GRCh37 (hg19) VCF-style: chr20-6096555-C-T.
Other names: short protein forms M96I.
Identifiers: ClinVar variation 1525780 (VCV001525780.8), dbSNP rs184921922, ClinGen allele CA9758499.